The following is an entry in ClinVar:

NM_006231.4(POLE):c.2511C>A (p.Phe837Leu)

Gene: POLE (DNA polymerase epsilon, catalytic subunit; minus strand). Cytogenetic location: 12q24.33.
Variant type: single nucleotide variant.
Coding change: c.2511C>A on transcript NM_006231.4 (MANE Select); coding-DNA position 2511, C replaced by A.
Protein change: p.Phe837Leu; replaces phenylalanine 837 with leucine.
Molecular consequence: missense variant.
Genome position (GRCh38, 1-based): chr12:132,664,420, G>T on the plus strand (C>A on the coding strand, the complement: POLE is on the minus strand). VCF-style: chr12-132664420-G-T. GRCh37 (hg19) VCF-style: chr12-133241006-G-T.
Other names: short protein forms F837L.
Identifiers: ClinVar variation 3654529 (VCV003654529.2).

ClinVar aggregate classification (germline): Uncertain significance (1 of 4 stars; one submission).

Submission:

Labcorp Genetics (formerly Invitae), Labcorp
Classification: Uncertain significance. Last evaluated: 2024-05-25. Review status: criteria provided, single submitter. Criteria: Invitae Variant Classification Sherloc (09022015). Collection method: clinical testing. Allele origin: germline.
Comment: This sequence change replaces phenylalanine, which is neutral and non-polar, with leucine, which is neutral and non-polar, at codon 837 of the POLE protein (p.Phe837Leu). This variant is not present in population databases (gnomAD no frequency). This variant has not been reported in the literature in individuals affected with POLE-related conditions. Advanced modeling of protein sequence and biophysical properties (such as structural, functional, and spatial information, amino acid conservation, physicochemical variation, residue mobility, and thermodynamic stability) performed at Invitae indicates that this missense variant is not expected to disrupt POLE protein function with a negative predictive value of 80%. In summary, the available evidence is currently insufficient to determine the role of this variant in disease. Therefore, it has been classified as a Variant of Uncertain Significance.